The following is an entry in ClinVar:

NM_006361.6(HOXB13):c.475C>T (p.Arg159Ter)

Gene: HOXB13 (homeobox B13; minus strand). Cytogenetic location: 17q21.32.
Variant type: single nucleotide variant.
Coding change: c.475C>T on transcript NM_006361.6 (MANE Select); coding-DNA position 475, C replaced by T.
Protein change: p.Arg159Ter; replaces arginine 159 with a stop codon.
Molecular consequence: nonsense.
Genome position (GRCh38, 1-based): chr17:48,728,119, G>A on the plus strand (C>T on the coding strand, the complement: HOXB13 is on the minus strand). VCF-style: chr17-48728119-G-A. GRCh37 (hg19) VCF-style: chr17-46805481-G-A.
Other names: short protein forms R159*.
Identifiers: ClinVar variation 825150 (VCV000825150.12), dbSNP rs1460756423, ClinGen allele CA400107379.

ClinVar aggregate classification (germline): Uncertain significance. Review status: criteria provided, multiple submitters, no conflicts (2 of 4 stars). 2 submissions from 2 submitters: Uncertain significance (2). Last evaluated 2025-04-03.

Conditions:
Hereditary cancer-predisposing syndrome. Also called: Neoplastic Syndromes, Hereditary; Tumor predisposition; Hereditary neoplastic syndrome; Hereditary Cancer Syndrome. Identifiers: Orphanet 140162, MedGen C0027672, MeSH D009386, MONDO:0015356.

Allele frequency attached by ClinVar (database versions not stated): gnomAD exomes below 0.00001.

Submissions (2):

Labcorp Genetics (formerly Invitae), Labcorp
Classification: Uncertain significance. Last evaluated: 2025-04-03. Review status: criteria provided, single submitter. Criteria: Invitae Variant Classification Sherloc (09022015). Collection method: clinical testing. Allele origin: germline.
Comment: This sequence change creates a premature translational stop signal (p.Arg159*) in the HOXB13 gene. It is expected to result in an absent or disrupted protein product. However, the current clinical and genetic evidence is not sufficient to establish whether loss-of-function variants in HOXB13 cause disease. This variant is present in population databases (no rsID available, gnomAD 0.0009%). This variant has not been reported in the literature in individuals affected with HOXB13-related conditions. ClinVar contains an entry for this variant (Variation ID: 825150). In summary, the available evidence is currently insufficient to determine the role of this variant in disease. Therefore, it has been classified as a Variant of Uncertain Significance.

Ambry Genetics
Classification: Uncertain significance for Hereditary cancer-predisposing syndrome. Last evaluated: 2018-11-30. Review status: criteria provided, single submitter. Criteria: Ambry Variant Classification Scheme 2023. Collection method: clinical testing. Allele origin: germline.
Comment: The p.R159* variant (also known as c.475C>T), located in coding exon 1 of the HOXB13 gene, results from a C to T substitution at nucleotide position 475. This changes the amino acid from an arginine to a stop codon within coding exon 1. This alteration is expected to result in loss of function by premature protein truncation or nonsense-mediated mRNA decay. However, loss of function of HOXB13 has not been clearly established as a mechanism of disease. Since supporting evidence is limited at this time, the clinical significance of this alteration remains unclear.